The following is an entry in ClinVar:

NM_000136.3(FANCC):c.170C>G (p.Ser57Cys)

Gene: FANCC (FA complementation group C; minus strand). Cytogenetic location: 9q22.32.
Variant type: single nucleotide variant.
Coding change: c.170C>G on transcript NM_000136.3 (MANE Select); coding-DNA position 170, C replaced by G.
Protein change: p.Ser57Cys; replaces serine 57 with cysteine.
Molecular consequence: missense variant.
Genome position (GRCh38, 1-based): chr9:95,247,512, G>C on the plus strand (C>G on the coding strand, the complement: FANCC is on the minus strand). VCF-style: chr9-95247512-G-C. GRCh37 (hg19) VCF-style: chr9-98009794-G-C.
Other names: c.170C>G, p.Ser57Cys (NM_001243743.2, NM_001243744.2); short protein forms S57C.
Identifiers: ClinVar variation 3848322 (VCV003848322.1).

ClinVar aggregate classification (germline): Uncertain significance (1 of 4 stars; one submission).

Conditions:
Hereditary cancer-predisposing syndrome. Also called: Hereditary neoplastic syndrome; Neoplastic Syndromes, Hereditary; Tumor predisposition; Hereditary Cancer Syndrome. Identifiers: Orphanet 140162, MedGen C0027672, MeSH D009386, MONDO:0015356.

Submission:

Ambry Genetics
Classification: Uncertain significance for Hereditary cancer-predisposing syndrome. Last evaluated: 2024-12-12. Review status: criteria provided, single submitter. Criteria: Ambry Variant Classification Scheme 2023. Collection method: clinical testing. Allele origin: germline.
Comment: The p.S57C variant (also known as c.170C>G), located in coding exon 2 of the FANCC gene, results from a C to G substitution at nucleotide position 170. The serine at codon 57 is replaced by cysteine, an amino acid with dissimilar properties. This amino acid position is conserved. In addition, this alteration is predicted to be tolerated by in silico analysis. Based on the available evidence, the clinical significance of this variant remains unclear.